The following is an entry in ClinVar:

ClinVar aggregate classification (germline): Likely benign. Review status: criteria provided, multiple submitters, no conflicts (2 of 4 stars). 3 submissions from 3 submitters: Likely benign (3). Last evaluated 2026-04-21.

Conditions:
TMEM67-related disorder. Also called: TMEM67-related condition; TMEM67-related disorders. Identifiers: MedGen CN239423.
Meckel-Gruber syndrome. Also called: Dysencephalia splachnocystica; DYSENCEPHALIA SPLANCHNOCYSTICA; GRUBER SYNDROME. Identifiers: Orphanet 564, MedGen C0265215, MONDO:0018921.
Joubert syndrome. Also called: Familial aplasia of the vermis; JOUBERT-BOLTSHAUSER SYNDROME. Identifiers: Orphanet 475, MedGen C5979921, MONDO:0018772.

Allele frequency attached by ClinVar (database versions not stated): gnomAD exomes below 0.00001; ExAC 0.00001.
gnomAD v4.1: 5 of 1,613,498 alleles (0.00031%); highest among the groups gnomAD compares: South Asian, 0.0055%; no homozygotes.

Submissions (3):

PreventionGenetics, part of Exact Sciences
Classification: Likely benign for TMEM67-related condition. Last evaluated: 2026-04-21. Review status: criteria provided, single submitter. Criteria: ACMG Guidelines, 2015. Collection method: clinical testing. Allele origin: germline.
Comment: This variant is classified as likely benign based on ACMG/AMP sequence variant interpretation guidelines (Richards et al. 2015 PMID: 25741868, with internal and published modifications).

Labcorp Genetics (formerly Invitae), Labcorp
Classification: Likely benign for Joubert syndrome; Meckel-Gruber syndrome. Last evaluated: 2023-05-13. Review status: criteria provided, single submitter. Criteria: Invitae Variant Classification Sherloc (09022015). Collection method: clinical testing. Allele origin: germline.

Blueprint Genetics
Classification: Likely benign. Last evaluated: 2021-12-20. Review status: criteria provided, single submitter. Criteria: ACMG Guidelines, 2015. Collection method: clinical testing. Allele origin: germline.

NM_153704.6(TMEM67):c.1830C>G (p.Val610=)

Gene: TMEM67 (transmembrane protein 67; plus strand). Cytogenetic location: 8q22.1.
Variant type: single nucleotide variant.
Coding change: c.1830C>G on transcript NM_153704.6 (MANE Select); coding-DNA position 1830, C replaced by G.
Protein change: p.Val610=; no amino-acid change (valine 610 retained).
Molecular consequence: synonymous variant. On other transcripts: non-coding transcript variant (1).
Genome position (GRCh38, 1-based): chr8:93,795,957, C>G. VCF-style: chr8-93795957-C-G. GRCh37 (hg19) VCF-style: chr8-94808185-C-G.
Other names: c.1587C>G, p.Val529= (NM_001142301.1).
Identifiers: ClinVar variation 2924602 (VCV002924602.5), dbSNP rs774478797, ClinGen allele CA4808114.